The following is an entry in ClinVar:

NM_020778.5(ALPK3):c.3017T>G (p.Leu1006Arg)

Gene: ALPK3 (alpha kinase 3; plus strand). Cytogenetic location: 15q25.3.
Variant type: single nucleotide variant.
Coding change: c.3017T>G on transcript NM_020778.5 (MANE Select); coding-DNA position 3017, T replaced by G.
Protein change: p.Leu1006Arg; replaces leucine 1006 with arginine.
Molecular consequence: missense variant.
Genome position (GRCh38, 1-based): chr15:84,857,755, T>G. VCF-style: chr15-84857755-T-G. GRCh37 (hg19) VCF-style: chr15-85400986-T-G.
Other names: short protein forms L1006R.
Identifiers: ClinVar variation 1509824 (VCV001509824.8), dbSNP rs1963884081, ClinGen allele CA393359434.

ClinVar aggregate classification (germline): Uncertain significance. Review status: criteria provided, multiple submitters, no conflicts (2 of 4 stars). 3 submissions from 3 submitters: Uncertain significance (3). Last evaluated 2024-09-28.

Conditions:
Cardiovascular phenotype. Identifiers: MedGen CN230736.

Allele frequency attached by ClinVar (database versions not stated): TOPMed below 0.00001; gnomAD exomes 0.00001.

Submissions (3):

Labcorp Genetics (formerly Invitae), Labcorp
Classification: Uncertain significance. Last evaluated: 2024-09-28. Review status: criteria provided, single submitter. Criteria: Invitae Variant Classification Sherloc (09022015). Collection method: clinical testing. Allele origin: germline.
Comment: This sequence change replaces leucine, which is neutral and non-polar, with arginine, which is basic and polar, at codon 1208 of the ALPK3 protein (p.Leu1208Arg). This variant is not present in population databases (gnomAD no frequency). This variant has not been reported in the literature in individuals affected with ALPK3-related conditions. ClinVar contains an entry for this variant (Variation ID: 1509824). An algorithm developed to predict the effect of missense changes on protein structure and function (PolyPhen-2) suggests that this variant is likely to be disruptive. In summary, the available evidence is currently insufficient to determine the role of this variant in disease. Therefore, it has been classified as a Variant of Uncertain Significance.

GeneDx
Classification: Uncertain significance. Last evaluated: 2023-09-27. Review status: criteria provided, single submitter. Criteria: GeneDx Variant Classification Process June 2021. Collection method: clinical testing. Allele origin: germline. Affected: yes.
Comment: Not observed at significant frequency in large population cohorts (gnomAD); In silico analysis supports that this missense variant does not alter protein structure/function; Also known as c.3623T>G p.(Leu1208Arg); This variant is associated with the following publications: (PMID: 30847666)

Ambry Genetics
Classification: Uncertain significance for Cardiovascular phenotype. Last evaluated: 2022-01-05. Review status: criteria provided, single submitter. Criteria: Ambry Variant Classification Scheme 2023. Collection method: clinical testing. Allele origin: germline.
Comment: The p.L1208R variant (also known as c.3623T>G), located in coding exon 6 of the ALPK3 gene, results from a T to G substitution at nucleotide position 3623. The leucine at codon 1208 is replaced by arginine, an amino acid with dissimilar properties. This variant was detected in a cardiomyopathy genetic testing cohort; however, clinical details were limited, and additional cardiac variants were detected in some cases (van Lint FHM et al. Neth Heart J, 2019 Jun;27:304-309). This amino acid position is well conserved in available vertebrate species. In addition, the in silico prediction for this alteration is inconclusive. Since supporting evidence is limited at this time, the clinical significance of this alteration remains unclear.

Literature cited by the submitters: PubMed 30847666 (cited by Ambry Genetics).